The following is an entry in ClinVar:

ClinVar aggregate classification (germline): Likely pathogenic. Review status: criteria provided, multiple submitters, no conflicts (2 of 4 stars). 3 submissions from 3 submitters: Likely pathogenic (2). 1 of the submissions does not count toward it. Last evaluated 2026-04-20.

Conditions:
Familial thoracic aortic aneurysm and aortic dissection (TAAD). Also called: Thoracic aortic aneurysms and dissections. Identifiers: Orphanet 91387, MedGen C4707243, MONDO:0019625.
Ehlers-Danlos syndrome, type 4 (EDSVASC). Also called: Ehlers-Danlos syndrome vascular type; Ehlers Danlos syndrome, ecchymotic type; Ehlers Danlos syndrome, arterial type; Ehlers Danlos syndrome, Sack-Barabas type; Ehlers-Danlos Syndrome Type IV. Identifiers: Orphanet 286, MedGen C0268338, MONDO:0017314, OMIM 130050.

Submissions (3):

Ambry Genetics
Classification: Likely pathogenic for Familial thoracic aortic aneurysm and aortic dissection. Last evaluated: 2026-04-20. Review status: criteria provided, single submitter. Criteria: Ambry Variant Classification Scheme 2023. Collection method: clinical testing. Allele origin: germline.
Comment: The p.G1173R variant (also known as c.3517G>A), located in coding exon 47 of the COL3A1 gene, results from a G to A substitution at nucleotide position 3517. The glycine at codon 1173 is replaced by arginine, an amino acid with dissimilar properties. This variant was reported in individual(s) with features consistent with COL3A1-related Ehlers-Danlos syndrome (Pepin MG et al. Genet Med, 2014 Dec;16:881-8). The majority (approximately two-thirds) ofCOL3A1mutations identified to date have involved the substitution of another amino acid for glycine within the triple-helical domain (PepinMG et al.GenetMed.2014;16(12):881-8; Frank M et al.Eur J Hum Genet. 2015;23(12):1657-64). Internal structural analysis indicates that this alteration disrupts the characteristic G-X-Y motif in theCOL3A1protein and inserts a bulky side chain into asterically-constrainedregion (Bella J et al.Science.1994;266:75-81;HohenesterE et al.Proc. Natl.Acad. Sci. U.S.A.2008;105:18273-7; Ambry internal data). This amino acid position is highly conserved in available vertebrate species. In addition, this alteration is predicted to be deleterious by in silico analysis. This variant is considered to be rare based on population cohorts in the Genome Aggregation Database (gnomAD). Based on the majority of available evidence to date, this variant is likely to be pathogenic.

Labcorp Genetics (formerly Invitae), Labcorp
Classification: Likely pathogenic for Ehlers-Danlos syndrome, type 4. Last evaluated: 2025-07-06. Review status: criteria provided, single submitter. Criteria: Invitae Variant Classification Sherloc (09022015). Collection method: clinical testing. Allele origin: germline.
Comment: This sequence change replaces glycine, which is neutral and non-polar, with arginine, which is basic and polar, at codon 1173 of the COL3A1 protein (p.Gly1173Arg). This variant is not present in population databases (gnomAD no frequency). This missense change has been observed in individual(s) with COL3A1-related conditions (PMID: 10819545; internal data). ClinVar contains an entry for this variant (Variation ID: 101221). Invitae Evidence Modeling of protein sequence and biophysical properties (such as structural, functional, and spatial information, amino acid conservation, physicochemical variation, residue mobility, and thermodynamic stability) indicates that this missense variant is expected to disrupt COL3A1 protein function with a positive predictive value of 95%. Studies have shown that this missense change alters COL3A1 gene expression (PMID: 10819545). This variant disrupts the triple helix domain of COL3A1. Glycine residues within the Gly-Xaa-Yaa repeats of the triple helix domain are required for the structure and stability of fibrillar collagens (PMID: 7695699, 8218237, 19344236). In COL3A1, variants that affect these glycine residues are significantly enriched in individuals with disease (PMID: 24922459, 25758994) compared to the general population (ExAC). This variant disrupts the p.Gly1173 amino acid residue in COL3A1. Other variant(s) that disrupt this residue have been observed in individuals with COL3A1-related conditions (PMID: 1357232), which suggests that this may be a clinically significant amino acid residue. In summary, the currently available evidence indicates that the variant is pathogenic, but additional data are needed to prove that conclusively. Therefore, this variant has been classified as Likely Pathogenic.

Collagen Diagnostic Laboratory, University of Washington
Classification: Pathogenic for Ehlers-Danlos syndrome, type 4. Review status: no assertion criteria provided. Collection method: clinical testing. Allele origin: germline. Affected: yes. Not counted in ClinVar's aggregate classification.

Literature cited by the submitters: PubMed 24922459 (cited by Ambry Genetics and Labcorp Genetics (formerly Invitae), Labcorp); PubMed 10819545 (cited by Labcorp Genetics (formerly Invitae), Labcorp); PubMed 7695699 (cited by Labcorp Genetics (formerly Invitae), Labcorp); PubMed 8218237 (cited by Labcorp Genetics (formerly Invitae), Labcorp); PubMed 19344236 (cited by Labcorp Genetics (formerly Invitae), Labcorp); PubMed 25758994 (cited by Labcorp Genetics (formerly Invitae), Labcorp); PubMed 1357232 (cited by Labcorp Genetics (formerly Invitae), Labcorp).

NM_000090.4(COL3A1):c.3517G>A (p.Gly1173Arg)

Gene: COL3A1 (collagen type III alpha 1 chain; plus strand). Cytogenetic location: 2q32.2.
Variant type: single nucleotide variant.
Coding change: c.3517G>A on transcript NM_000090.4 (MANE Select); coding-DNA position 3517, G replaced by A.
Protein change: p.Gly1173Arg; replaces glycine 1173 with arginine.
Molecular consequence: missense variant.
Genome position (GRCh38, 1-based): chr2:189,008,134, G>A. VCF-style: chr2-189008134-G-A. GRCh37 (hg19) VCF-style: chr2-189872860-G-A.
Identifiers: ClinVar variation 101221 (VCV000101221.4), dbSNP rs587779521, ClinGen allele CA006559.
Genomic context (GRCh38, chr2:189,008,134, plus strand): 5'-ACCAGTGGACATCCAGGTCCCATTGGACCACCAGGGCCTCGAGGTAACAGAGGTGAAAGA[G>A]GATCTGAGGTAAGACATCACTTATACGTATGTGTATTTAATTTGCTACAATCTTCCAATT-3'
Protein context (NP_000081.2, residues 1163-1183): PGPRGNRGER[Gly1173Arg]SEGSPGHPGQ